The following is an entry in ClinVar:

ClinVar aggregate classification (germline): Likely pathogenic (1 of 4 stars; one submission).

Allele frequency attached by ClinVar (database versions not stated): gnomAD exomes below 0.00001.
gnomAD v4.1: 6 of 1,591,456 alleles (0.00038%); highest among the groups gnomAD compares: African/African-American, 0.0013%; no homozygotes.

Submission:

Labcorp Genetics (formerly Invitae), Labcorp
Classification: Likely pathogenic. Last evaluated: 2023-12-22. Review status: criteria provided, single submitter. Criteria: Invitae Variant Classification Sherloc (09022015). Collection method: clinical testing. Allele origin: germline.
Comment: This sequence change affects a donor splice site in intron 8 of the F12 gene. It is expected to disrupt RNA splicing. Variants that disrupt the donor or acceptor splice site typically lead to a loss of protein function (PMID: 16199547), and loss-of-function variants in F12 are known to be pathogenic (PMID: 9354665, 20386432, 26105808). The frequency data for this variant in the population databases is considered unreliable, as metrics indicate poor data quality at this position in the gnomAD database. This variant has not been reported in the literature in individuals affected with F12-related conditions. ClinVar contains an entry for this variant (Variation ID: 1473234). Algorithms developed to predict the effect of sequence changes on RNA splicing suggest that this variant may disrupt the consensus splice site. In summary, the currently available evidence indicates that the variant is pathogenic, but additional data are needed to prove that conclusively. Therefore, this variant has been classified as Likely Pathogenic.

Literature cited by the submitters: PubMed 16199547; PubMed 9354665; PubMed 20386432; PubMed 26105808.

NM_000505.4(F12):c.800+1G>A

Gene: F12 (coagulation factor XII; minus strand). Cytogenetic location: 5q35.3.
Variant type: single nucleotide variant.
Coding change: c.800+1G>A on transcript NM_000505.4 (MANE Select); the canonical splice donor site of the intron after coding-DNA position 800, G replaced by A.
Molecular consequence: splice donor variant.
Genome position (GRCh38, 1-based): chr5:177,404,498, C>T on the plus strand (G>A on the coding strand, the complement: F12 is on the minus strand). VCF-style: chr5-177404498-C-T. GRCh37 (hg19) VCF-style: chr5-176831499-C-T.
Identifiers: ClinVar variation 1473234 (VCV001473234.7), dbSNP rs202071046, ClinGen allele CA132836998.